The following is an entry in ClinVar:

NM_032043.3(BRIP1):c.3215C>A (p.Thr1072Asn)

Gene: BRIP1 (BRCA1 interacting DNA helicase 1; minus strand). Cytogenetic location: 17q23.2.
Variant type: single nucleotide variant.
Coding change: c.3215C>A on transcript NM_032043.3 (MANE Select); coding-DNA position 3215, C replaced by A.
Protein change: p.Thr1072Asn; replaces threonine 1072 with asparagine.
Molecular consequence: missense variant.
Genome position (GRCh38, 1-based): chr17:61,683,831, G>T on the plus strand (C>A on the coding strand, the complement: BRIP1 is on the minus strand). VCF-style: chr17-61683831-G-T. GRCh37 (hg19) VCF-style: chr17-59761192-G-T.
Other names: short protein forms T1072N.
Identifiers: ClinVar variation 188103 (VCV000188103.10), dbSNP rs786204068, ClinGen allele CA334047.

ClinVar aggregate classification (germline): Uncertain significance. Review status: criteria provided, multiple submitters, no conflicts (2 of 4 stars). 2 submissions from 2 submitters: Uncertain significance (2). Last evaluated 2017-05-23.

Conditions:
Familial cancer of breast. Also called: BREAST CANCER, FAMILIAL; Hereditary breast cancer; hereditary breast carcinoma. Identifiers: Orphanet 227535, MedGen C0346153, MONDO:0016419, OMIM 114480. Disease mechanism: loss of function.
Fanconi anemia complementation group J. Also called: BRIP1-Related Fanconi Anemia. Identifiers: Orphanet 84, MedGen C1836860, MONDO:0012187, OMIM 609054.

Submissions (2):

Women's Health and Genetics/Laboratory Corporation of America, LabCorp
Classification: Uncertain significance. Last evaluated: 2017-05-23. Review status: criteria provided, single submitter. Criteria: LabCorp Variant Classification Summary - May 2015. Collection method: clinical testing. Allele origin: germline.
Comment: Variant summary: The BRIP1 c.3215C>A (p.Thr1072Asn) variant involves the alteration of a non-conserved nucleotide and 3/5 in silico tools predict a benign outcome for this variant. However, these predictions have yet to be functionally assessed. This variant is absent in 121310 control chromosomes (ExAC). Although the variant of interest has not, to our knowledge, been reported in affected individuals via publications. A clinical diagnostic laboratory classifies the variant as "uncertain significance." Therefore, taking all available lines of evidence into consideration, the variant of interest has been classified as a "Variant of Uncertain Significance - Possibly Benign," until additional information becomes available.

Labcorp Genetics (formerly Invitae), Labcorp
Classification: Uncertain significance for Familial cancer of breast; Fanconi anemia complementation group J. Last evaluated: 2014-09-19. Review status: criteria provided, single submitter. Criteria: Invitae Variant Classification Sherloc (09022015). Collection method: clinical testing. Allele origin: germline.
Comment: In summary, this is a novel missense change. Although there is no indication that this sequence change affects protein function or causes disease, the evidence is insufficient at this time to prove that conclusively. Therefore, it has been classified as a Variant of Uncertain Significance. Algorithms developed to predict the effect of missense changes on protein structure and function do not agree on the potential impact of this missense change (SIFT: "deleterious"; MutationTaster: "polymorphism"; Align-GVGD: "C0"). This sequence change has not been published in the literature and is not present in population databases. This sequence change replaces threonine with asparagine at codon 1072 of the BRIP1 protein (p.Thr1072Asn). The threonine residue is weakly conserved and there is a small physicochemical difference between threonine and asparagine.